The following is an entry in ClinVar:

NM_031443.4(CCM2):c.1201A>G (p.Asn401Asp)

Gene: CCM2 (CCM2 scaffold protein; plus strand). Cytogenetic location: 7p13.
Variant type: single nucleotide variant.
Coding change: c.1201A>G on transcript NM_031443.4 (MANE Select); coding-DNA position 1201, A replaced by G.
Protein change: p.Asn401Asp; replaces asparagine 401 with aspartic acid.
Molecular consequence: missense variant. On other transcripts: non-coding transcript variant (1).
Genome position (GRCh38, 1-based): chr7:45,075,923, A>G. VCF-style: chr7-45075923-A-G. GRCh37 (hg19) VCF-style: chr7-45115522-A-G.
Other names: c.1150A>G, p.Asn384Asp (NM_001363459.2); c.1264A>G, p.Asn422Asp (NM_001029835.2); c.1027A>G, p.Asn343Asp (NM_001167934.2); c.928A>G, p.Asn310Asp (NM_001167935.2); c.1324A>G, p.Asn442Asp (NM_001363458.2); short protein forms N310D, N384D, N401D, N442D, N343D, N422D.
Identifiers: ClinVar variation 2990477 (VCV002990477.3), dbSNP rs920839648, ClinGen allele CA158004115.

ClinVar aggregate classification (germline): Uncertain significance (1 of 4 stars; one submission).

Conditions:
Cerebral cavernous malformation 2. Also called: Familial Cerebral Cavernous Malformation 2. Identifiers: Orphanet 221061, MedGen C1864041, MONDO:0011304, OMIM 603284.

Allele frequency attached by ClinVar (database versions not stated): gnomAD exomes 0.00002.
gnomAD v4.1: 10 of 1,613,140 alleles (0.00062%); highest among the groups gnomAD compares: East Asian, 0.022%; no homozygotes.

Submission:

Labcorp Genetics (formerly Invitae), Labcorp
Classification: Uncertain significance for Cerebral cavernous malformation 2. Last evaluated: 2023-12-21. Review status: criteria provided, single submitter. Criteria: Invitae Variant Classification Sherloc (09022015). Collection method: clinical testing. Allele origin: germline.
Comment: This sequence change replaces asparagine, which is neutral and polar, with aspartic acid, which is acidic and polar, at codon 401 of the CCM2 protein (p.Asn401Asp). This variant is present in population databases (no rsID available, gnomAD 0.006%). This variant has not been reported in the literature in individuals affected with CCM2-related conditions. Advanced modeling of protein sequence and biophysical properties (such as structural, functional, and spatial information, amino acid conservation, physicochemical variation, residue mobility, and thermodynamic stability) performed at Invitae indicates that this missense variant is not expected to disrupt CCM2 protein function with a negative predictive value of 80%. In summary, the available evidence is currently insufficient to determine the role of this variant in disease. Therefore, it has been classified as a Variant of Uncertain Significance.